The following is an entry in ClinVar:

NM_002609.4(PDGFRB):c.2483C>T (p.Ala828Val)

Gene: PDGFRB (platelet derived growth factor receptor beta; minus strand). Cytogenetic location: 5q32.
Variant type: single nucleotide variant.
Coding change: c.2483C>T on transcript NM_002609.4 (MANE Select); coding-DNA position 2483, C replaced by T.
Protein change: p.Ala828Val; replaces alanine 828 with valine.
Molecular consequence: missense variant.
Genome position (GRCh38, 1-based): chr5:150,120,991, G>A on the plus strand (C>T on the coding strand, the complement: PDGFRB is on the minus strand). VCF-style: chr5-150120991-G-A. GRCh37 (hg19) VCF-style: chr5-149500554-G-A.
Other names: c.2291C>T, p.Ala764Val (NM_001355016.2); c.2000C>T, p.Ala667Val (NM_001355017.2); short protein forms A828V, A764V, A667V.
Identifiers: ClinVar variation 1942408 (VCV001942408.9), dbSNP rs2113888986, ClinGen allele CA361760634.

ClinVar aggregate classification (germline): Uncertain significance. Review status: criteria provided, multiple submitters, no conflicts (2 of 4 stars). 2 submissions from 2 submitters: Uncertain significance (2). Last evaluated 2026-02-01.

Conditions:
Skeletal overgrowth-craniofacial dysmorphism-hyperelastic skin-white matter lesions syndrome. Also called: SKELETAL OVERGROWTH WITH FACIAL DYSMORPHISM, HYPERELASTIC SKIN, WHITE MATTER LESIONS, AND NEUROLOGIC DETERIORATION; Kosaki overgrowth syndrome. Identifiers: Orphanet 477831, MedGen C4225270, MONDO:0014704, OMIM 616592.
Basal ganglia calcification, idiopathic, 4 (PFBC4). Also called: PRIMARY FAMILIAL BRAIN CALCIFICATION 4, AUTOSOMAL DOMINANT; Familial Idiopathic Basal Ganglia Calcification 4. Identifiers: Orphanet 1980, MedGen C3554321, MONDO:0014004, OMIM 615007.
Acroosteolysis-keloid-like lesions-premature aging syndrome. Also called: Premature aging syndrome, Penttinen type; Prematurely aged appearance, delayed bone maturation, acro-osteolysis, and brachydactyly; Progeroid syndrome, Penttinen type. Identifiers: Orphanet 363665, MedGen C1866182, MONDO:0011150, OMIM 601812.
Infantile myofibromatosis (IMF). Also called: Congenital generalized fibromatosis. Identifiers: Orphanet 2591, MedGen C0432284, MONDO:0016824.

Allele frequency attached by ClinVar (database versions not stated): gnomAD exomes below 0.00001.
gnomAD v4.1: 1 of 1,613,840 alleles (0.000062%); highest among the groups gnomAD compares: Non-Finnish European, 0.000085%; no homozygotes.

Submissions (2):

CeGaT Center for Human Genetics Tuebingen
Classification: Uncertain significance. Last evaluated: 2026-02-01. Review status: criteria provided, single submitter. Criteria: CeGaT Center For Human Genetics Tuebingen Variant Classification Criteria Version 2. Collection method: clinical testing. Allele origin: germline. Affected: yes. Observed: 1 variant allele.
Comment: PDGFRB: PM2, PM1:Supporting, PP2, PP3

Labcorp Genetics (formerly Invitae), Labcorp
Classification: Uncertain significance for Basal ganglia calcification, idiopathic, 4; Skeletal overgrowth-craniofacial dysmorphism-hyperelastic skin-white matter lesions syndrome; Infantile myofibromatosis; Acroosteolysis-keloid-like lesions-premature aging syndrome. Last evaluated: 2023-08-02. Review status: criteria provided, single submitter. Criteria: Invitae Variant Classification Sherloc (09022015). Collection method: clinical testing. Allele origin: germline.
Comment: In summary, the available evidence is currently insufficient to determine the role of this variant in disease. Therefore, it has been classified as a Variant of Uncertain Significance. This variant disrupts the p.Ala828 amino acid residue in PDGFRB. Other variant(s) that disrupt this residue have been determined to be pathogenic (Invitae). This suggests that this residue is clinically significant, and that variants that disrupt this residue are likely to be disease-causing. Advanced modeling of protein sequence and biophysical properties (such as structural, functional, and spatial information, amino acid conservation, physicochemical variation, residue mobility, and thermodynamic stability) has been performed at Invitae for this missense variant, however the output from this modeling did not meet the statistical confidence thresholds required to predict the impact of this variant on PDGFRB protein function. ClinVar contains an entry for this variant (Variation ID: 1942408). This variant has not been reported in the literature in individuals affected with PDGFRB-related conditions. This variant is not present in population databases (gnomAD no frequency). This sequence change replaces alanine, which is neutral and non-polar, with valine, which is neutral and non-polar, at codon 828 of the PDGFRB protein (p.Ala828Val).